The following is an entry in ClinVar:

ClinVar aggregate classification (germline): Uncertain significance (1 of 4 stars; one submission).

gnomAD v4.1: 158 of 1,612,200 alleles (0.0098%); highest among the groups gnomAD compares: Non-Finnish European, 0.01%; no homozygotes.

Submissions (3):

Labcorp Genetics (formerly Invitae), Labcorp
Classification: Uncertain significance. Last evaluated: 2025-02-10. Review status: criteria provided, single submitter. Criteria: Invitae Variant Classification Sherloc (09022015). Collection method: clinical testing. Allele origin: germline.
Comment: This sequence change falls in intron 2 of the TXN2 gene. It does not directly change the encoded amino acid sequence of the TXN2 protein. It affects a nucleotide within the consensus splice site. This variant is present in population databases (rs375555431, gnomAD 0.04%). This variant has not been reported in the literature in individuals affected with TXN2-related conditions. Variants that disrupt the consensus splice site are a relatively common cause of aberrant splicing (PMID: 17576681, 9536098). Algorithms developed to predict the effect of sequence changes on RNA splicing suggest that this variant may disrupt the consensus splice site. In summary, the available evidence is currently insufficient to determine the role of this variant in disease. Therefore, it has been classified as a Variant of Uncertain Significance.

Dr. Peter K. Rogan Lab, Western University
No classification provided (evidence only). Condition: Familial cancer of breast. Review status: no classification provided. Collection method: in vitro. Allele origin: not applicable. Functional consequence: skipped exon, retained intron. Not counted in ClinVar's aggregate classification.

Dr. Peter K. Rogan Lab, Western University
No classification provided (evidence only). Condition: Sarcoma. Review status: no classification provided. Collection method: in vitro. Allele origin: not applicable. Functional consequence: skipped exon, retained intron. Not counted in ClinVar's aggregate classification.

Literature cited by the submitters: PubMed 17576681 (cited by Labcorp Genetics (formerly Invitae), Labcorp); PubMed 9536098 (cited by Labcorp Genetics (formerly Invitae), Labcorp).

NM_012473.4(TXN2):c.263+5G>T

Gene: TXN2 (thioredoxin 2; minus strand). Cytogenetic location: 22q12.3.
Variant type: single nucleotide variant.
Coding change: c.263+5G>T on transcript NM_012473.4 (MANE Select); 5 bases into the intron after coding-DNA position 263, G replaced by T.
Molecular consequence: intron variant.
Genome position (GRCh38, 1-based): chr22:36,480,570, C>A on the plus strand (G>T on the coding strand, the complement: TXN2 is on the minus strand). VCF-style: chr22-36480570-C-A. GRCh37 (hg19) VCF-style: chr22-36876617-C-A.
Other names: NC_000022.10:g.36876617C>A.
Identifiers: ClinVar variation 4458155 (VCV004458155.2).